The following is an entry in ClinVar:

NM_025219.3(DNAJC5):c.44C>A (p.Ser15Ter)

Gene: DNAJC5 (DnaJ heat shock protein family (Hsp40) member C5; plus strand). Cytogenetic location: 20q13.33.
Variant type: single nucleotide variant.
Coding change: c.44C>A on transcript NM_025219.3 (MANE Select); coding-DNA position 44, C replaced by A.
Protein change: p.Ser15Ter; replaces serine 15 with a stop codon.
Molecular consequence: nonsense.
Genome position (GRCh38, 1-based): chr20:63,928,389, C>A. VCF-style: chr20-63928389-C-A. GRCh37 (hg19) VCF-style: chr20-62559742-C-A.
Other names: short protein forms S15*.
Identifiers: ClinVar variation 3343634 (VCV003343634.1).

ClinVar aggregate classification (germline): Uncertain significance (1 of 4 stars; one submission).

Submission:

GeneDx
Classification: Uncertain significance. Last evaluated: 2023-05-17. Review status: criteria provided, single submitter. Criteria: GeneDx Variant Classification Process June 2021. Collection method: clinical testing. Allele origin: germline. Affected: yes.
Comment: Not observed at significant frequency in large population cohorts (gnomAD); Nonsense variant predicted to result in protein truncation or nonsense mediated decay in a gene or region of a gene for which loss of function is not a well-established mechanism of disease; Has not been previously published as pathogenic or benign to our knowledge